The following is an entry in ClinVar:

NM_022369.4(STRA6):c.173C>T (p.Ser58Leu)

Gene: STRA6 (signaling receptor and transporter of retinol STRA6; minus strand). Cytogenetic location: 15q24.1.
Variant type: single nucleotide variant.
Coding change: c.173C>T on transcript NM_022369.4 (MANE Select); coding-DNA position 173, C replaced by T.
Protein change: p.Ser58Leu; replaces serine 58 with leucine.
Molecular consequence: missense variant.
Genome position (GRCh38, 1-based): chr15:74,197,759, G>A on the plus strand (C>T on the coding strand, the complement: STRA6 is on the minus strand). VCF-style: chr15-74197759-G-A. GRCh37 (hg19) VCF-style: chr15-74490100-G-A.
Other names: c.173C>T, p.Ser58Leu (NM_001142617.2, NM_001142618.2, NM_001142619.2 and 1 more transcripts); c.284C>T, p.Ser95Leu (NM_001199040.2); c.218C>T, p.Ser73Leu (NM_001199041.2); c.290C>T, p.Ser97Leu (NM_001199042.2); short protein forms S58L, S97L, S95L, S73L.
Identifiers: ClinVar variation 464032 (VCV000464032.15), dbSNP rs142105038, ClinGen allele CA7655082.

ClinVar aggregate classification (germline): Benign. Review status: criteria provided, multiple submitters, no conflicts (2 of 4 stars). 4 submissions from 4 submitters: Benign (4). Last evaluated 2026-02-01.

Conditions:
Microphthalmia, syndromic 9. Also called: SPEAR SYNDROME; Matthew-Wood syndrome; ANOPHTHALMIA, CLINICAL, WITH MILD FACIAL DYSMORPHISM AND VARIABLE MALFORMATIONS OF THE LUNG, HEART, AND DIAPHRAGM; ANOPHTHALMIA/MICROPHTHALMIA AND PULMONARY HYPOPLASIA; PULMONARY AGENESIS, MICROPHTHALMIA, AND DIAPHRAGMATIC DEFECT. Identifiers: Orphanet 2470, MedGen C1832661, MONDO:0011010, OMIM 601186.

Allele frequency attached by ClinVar (database versions not stated): gnomAD exomes 0.00074 and 0.00204; ExAC 0.00230; 1000 Genomes Project 30x 0.00703; gnomAD 0.00727 and 0.00787; 1000 Genomes Project 0.00739; TOPMed 0.00828; ESP Exome Variant Server 0.00870.

Submissions (4):

Labcorp Genetics (formerly Invitae), Labcorp
Classification: Benign for Microphthalmia, syndromic 9. Last evaluated: 2026-02-01. Review status: criteria provided, single submitter. Criteria: Invitae Variant Classification Sherloc (09022015). Collection method: clinical testing. Allele origin: germline.

GeneDx
Classification: Benign. Last evaluated: 2020-08-04. Review status: criteria provided, single submitter. Criteria: GeneDx Variant Classification Process June 2021. Collection method: clinical testing. Allele origin: germline. Affected: yes.
Comment: This variant is associated with the following publications: (PMID: 30653986)

Illumina Laboratory Services, Illumina
Classification: Benign for Microphthalmia, syndromic 9. Last evaluated: 2018-01-13. Review status: criteria provided, single submitter. Criteria: ICSL Variant Classification Criteria 13 December 2019. Collection method: clinical testing. Allele origin: germline.
Comment: This variant was observed in the ICSL laboratory as part of a predisposition screen in an ostensibly healthy population. It had not been previously curated by ICSL or reported in the Human Gene Mutation Database (HGMD: prior to June 1st, 2018), and was therefore a candidate for classification through an automated scoring system. Utilizing variant allele frequency, disease prevalence and penetrance estimates, and inheritance mode, an automated score was calculated to assess if this variant is too frequent to cause the disease. Based on the score and internal cut-off values, a variant classified as benign is not then subjected to further curation. The score for this variant resulted in a classification of benign for this disease.

Breakthrough Genomics
Classification: Benign. Review status: criteria provided, single submitter. Criteria: ACMG Guidelines, 2015. Collection method: not provided. Allele origin: germline. Inheritance: Autosomal recessive inheritance. Affected: yes.